The following is an entry in ClinVar:

NM_014244.5(ADAMTS2):c.-13C>A

Gene: ADAMTS2 (ADAM metallopeptidase with thrombospondin type 1 motif 2; minus strand). Cytogenetic location: 5q35.3.
Variant type: single nucleotide variant.
Coding change: c.-13C>A on transcript NM_014244.5 (MANE Select); 13 bases upstream of the start codon, C replaced by A.
Molecular consequence: 5 prime UTR variant.
Genome position (GRCh38, 1-based): chr5:179,345,341, G>T on the plus strand (C>A on the coding strand, the complement: ADAMTS2 is on the minus strand). VCF-style: chr5-179345341-G-T. GRCh37 (hg19) VCF-style: chr5-178772342-G-T.
Other names: c.-13C>A (NM_021599.4).
Identifiers: ClinVar variation 353149 (VCV000353149.8), dbSNP rs886060499, ClinGen allele CA10624425.
Genomic context (GRCh38, chr5:179,345,341, plus strand): 5'-CAGCGCGGGGCAGAGCAGGCGGCGAGCGGCTCCCGCCGGCGGATCCATGGCAGCCGGACT[G>T]CAGCCGGGGCCCCGCACTCGCAGCCGGCGCGAAAGTTCCCCGCGAGCCGCCCAGCCCACA-3'

ClinVar aggregate classification (germline): Uncertain significance. Review status: criteria provided, multiple submitters, no conflicts (2 of 4 stars). 3 submissions from 3 submitters: Uncertain significance (3). Last evaluated 2025-11-03.

Allele frequency attached by ClinVar (database versions not stated): gnomAD exomes 0.00027 and 0.00617; gnomAD 0.00040 and 0.00042; TOPMed 0.00043; 1000 Genomes Project 30x 0.00094.
gnomAD v4.1: 332 of 1,133,142 alleles (0.029%); highest among the groups gnomAD compares: Middle Eastern, 0.19%; no homozygotes.

Submissions (3):

Women's Health and Genetics/Laboratory Corporation of America, LabCorp
Classification: Uncertain significance. Last evaluated: 2025-11-03. Review status: criteria provided, single submitter. Criteria: LabCorp Variant Classification Summary - May 2015. Collection method: clinical testing. Allele origin: germline.
Comment: Variant summary: ADAMTS2 c.-13C>A is located in the untranslated mRNA region upstream of the initiation codon. The variant allele was found at a frequency of 0.00029 in 1133142 control chromosomes. This frequency is not significantly higher than estimated for disease-causing variants in ADAMTS2, allowing no conclusion about variant significance. To our knowledge, no occurrence of c.-13C>A in individuals affected with ADAMTS2-related conditions and no experimental evidence demonstrating its impact on protein function have been reported. ClinVar contains an entry for this variant (Variation ID: 353149). Based on the evidence outlined above, the variant was classified as uncertain significance.

GeneDx
Classification: Uncertain significance. Last evaluated: 2018-01-17. Review status: criteria provided, single submitter. Criteria: GeneDx Variant Classification (06012015). Collection method: clinical testing. Allele origin: germline. Affected: yes.
Comment: The c.-13 C>A variant has not beenpublished as pathogenic or been reported as benign to our knowledge. The c.-13 C>A variant is not observed in largepopulation cohorts; however, limited data are available (Lek et al., 2016; 1000 Genomes Consortium et al., 2015;Exome Variant Server). This substitution occurs at a nucleotide position that is conserved across species. However,this variant is not predicted to impact the Kozak sequence or create a cryptic ATG initiation site. Furthermore, noregulatory variants in the ADAMTS2 gene have been reported in the Human Gene Mutation Database in associationwith EDS (Stenson et al., 2014).

Breakthrough Genomics
Classification: Uncertain significance. Review status: criteria provided, single submitter. Criteria: ACMG Guidelines, 2015. Collection method: not provided. Allele origin: germline. Inheritance: Autosomal recessive inheritance. Affected: yes.